The following is an entry in ClinVar:

NM_001458.5(FLNC):c.887C>T (p.Ala296Val)

Gene: FLNC (filamin C; plus strand). Cytogenetic location: 7q32.1.
Variant type: single nucleotide variant.
Coding change: c.887C>T on transcript NM_001458.5 (MANE Select); coding-DNA position 887, C replaced by T.
Protein change: p.Ala296Val; replaces alanine 296 with valine.
Molecular consequence: missense variant.
Genome position (GRCh38, 1-based): chr7:128,837,673, C>T. VCF-style: chr7-128837673-C-T. GRCh37 (hg19) VCF-style: chr7-128477727-C-T.
Other names: c.887C>T (NM_001458.4); c.887C>T, p.Ala296Val (NM_001127487.2); short protein forms A296V.
Identifiers: ClinVar variation 1346753 (VCV001346753.7), dbSNP rs2128934235, ClinGen allele CA369222993.

ClinVar aggregate classification (germline): Uncertain significance. Review status: criteria provided, multiple submitters, no conflicts (2 of 4 stars). 2 submissions from 2 submitters: Uncertain significance (2). Last evaluated 2023-11-27.

Conditions:
Myofibrillar myopathy 5. Also called: Filaminopathy (type); FILAMINOPATHY, AUTOSOMAL DOMINANT. Identifiers: Orphanet 171445, MedGen C1836050, MONDO:0012289, OMIM 609524.
Distal myopathy with posterior leg and anterior hand involvement. Also called: WILLIAMS DISTAL MYOPATHY. Identifiers: Orphanet 63273, MedGen C3279722, MONDO:0013550, OMIM 614065.
Hypertrophic cardiomyopathy 26. Also called: Cardiomyopathy, familial hypertrophic, 26. Identifiers: Orphanet 75249, MedGen C4310749, MONDO:0014883, OMIM 617047.

gnomAD v4.1: 1 of 1,612,148 alleles (0.000062%); no homozygotes.

Submissions (2):

Labcorp Genetics (formerly Invitae), Labcorp
Classification: Uncertain significance for Distal myopathy with posterior leg and anterior hand involvement; Myofibrillar myopathy 5; Hypertrophic cardiomyopathy 26. Last evaluated: 2023-11-27. Review status: criteria provided, single submitter. Criteria: Invitae Variant Classification Sherloc (09022015). Collection method: clinical testing. Allele origin: germline.
Comment: This sequence change replaces alanine, which is neutral and non-polar, with valine, which is neutral and non-polar, at codon 296 of the FLNC protein (p.Ala296Val). This variant is not present in population databases (gnomAD no frequency). This variant has not been reported in the literature in individuals affected with FLNC-related conditions. ClinVar contains an entry for this variant (Variation ID: 1346753). Advanced modeling of protein sequence and biophysical properties (such as structural, functional, and spatial information, amino acid conservation, physicochemical variation, residue mobility, and thermodynamic stability) has been performed at Invitae for this missense variant, however the output from this modeling did not meet the statistical confidence thresholds required to predict the impact of this variant on FLNC protein function. In summary, the available evidence is currently insufficient to determine the role of this variant in disease. Therefore, it has been classified as a Variant of Uncertain Significance.

GeneDx
Classification: Uncertain significance. Last evaluated: 2023-01-11. Review status: criteria provided, single submitter. Criteria: GeneDx Variant Classification Process June 2021. Collection method: clinical testing. Allele origin: germline. Affected: yes.
Comment: Not observed at significant frequency in large population cohorts (gnomAD); In silico analysis supports that this missense variant has a deleterious effect on protein structure/function; Has not been previously published as pathogenic or benign to our knowledge